The following is an entry in ClinVar:

ClinVar aggregate classification (germline): Uncertain significance (1 of 4 stars; one submission).

Conditions:
Fanconi anemia complementation group A (FANCA). Also called: Fanconi anemia, group A; FANCA-Related Fanconi Anemia. Identifiers: Orphanet 84, MedGen C3469521, MONDO:0009215, OMIM 227650.

Submission:

Neuberg Centre For Genomic Medicine, NCGM
Classification: Uncertain significance for Fanconi anemia complementation group A. Review status: criteria provided, single submitter. Criteria: ACMG Guidelines, 2015. Collection method: clinical testing. Allele origin: germline. Inheritance: Autosomal recessive inheritance. Affected: yes.
Comment: The observed inframe insertion c.3342_3343insCCT(p.Ser1114_Glu1115insPro) variant in FANCA gene has not been reported previously as a pathogenic variant nor as a benign variant, to our knowledge. This variant is absent in gnomAD Exomes. The insertion of amino acid Pro between amino acids Ser at position 1114 and Glu at position 1115 changing protein sequence and it might alter its composition and physico-chemical properties. For these reasons, this variant has been classified as Uncertain Significance.

NM_000135.4(FANCA):c.3342_3343insCCT (p.Ser1114_Glu1115insPro)

Gene: FANCA (FA complementation group A; minus strand). Cytogenetic location: 16q24.3.
Variant type: Insertion.
Coding change: c.3342_3343insCCT on transcript NM_000135.4 (MANE Select); coding-DNA positions 3342 to 3343, CCT inserted.
Protein change: p.Ser1114_Glu1115insPro.
Molecular consequence: inframe insertion.
Genome position: GRCh38 VCF-style: chr16-89748664-C-CAGG. GRCh37 (hg19) VCF-style: chr16-89815072-C-CAGG.
Other names: c.3342_3343insCCT, p.Ser1114_Glu1115insPro (NM_001286167.3).
Identifiers: ClinVar variation 3242092 (VCV003242092.1), dbSNP rs2544125985.